The following is an entry in ClinVar:

ClinVar aggregate classification (germline): Conflicting classifications of pathogenicity. Review status: criteria provided, conflicting classifications (1 of 4 stars). 2 submissions from 2 submitters: Uncertain significance (1); Likely benign (1). Last evaluated 2025-12-24.

Allele frequency attached by ClinVar (database versions not stated): ESP Exome Variant Server 0.00031; gnomAD 0.00034; TOPMed 0.00040; ExAC 0.00056.
gnomAD v4.1: 1,242 of 1,612,894 alleles (0.077%); highest among the groups gnomAD compares: Non-Finnish European, 0.1%; 2 homozygotes.

Submissions (2):

Labcorp Genetics (formerly Invitae), Labcorp
Classification: Uncertain significance. Last evaluated: 2025-12-24. Review status: criteria provided, single submitter. Criteria: Invitae Variant Classification Sherloc (09022015). Collection method: clinical testing. Allele origin: germline.
Comment: This sequence change replaces arginine, which is basic and polar, with histidine, which is basic and polar, at codon 595 of the FBN3 protein (p.Arg595His). This variant is present in population databases (rs199628711, gnomAD 0.08%), and has an allele count higher than expected for a pathogenic variant. This variant has not been reported in the literature in individuals affected with FBN3-related conditions. ClinVar contains an entry for this variant (Variation ID: 2064908). Invitae Evidence Modeling of protein sequence and biophysical properties (such as structural, functional, and spatial information, amino acid conservation, physicochemical variation, residue mobility, and thermodynamic stability) indicates that this missense variant is not expected to disrupt FBN3 protein function with a negative predictive value of 80%. In summary, the available evidence is currently insufficient to determine the role of this variant in disease. Therefore, it has been classified as a Variant of Uncertain Significance.

Ambry Genetics
Classification: Likely benign. Last evaluated: 2022-08-17. Review status: criteria provided, single submitter. Criteria: Ambry Variant Classification Scheme 2023. Collection method: clinical testing. Allele origin: germline.

NM_032447.5(FBN3):c.1784G>A (p.Arg595His)

Gene: FBN3 (fibrillin 3; minus strand). Cytogenetic location: 19p13.2.
Variant type: single nucleotide variant.
Coding change: c.1784G>A on transcript NM_032447.5 (MANE Select); coding-DNA position 1784, G replaced by A.
Protein change: p.Arg595His; replaces arginine 595 with histidine.
Molecular consequence: missense variant.
Genome position (GRCh38, 1-based): chr19:8,131,760, C>T on the plus strand (G>A on the coding strand, the complement: FBN3 is on the minus strand). VCF-style: chr19-8131760-C-T. GRCh37 (hg19) VCF-style: chr19-8196644-C-T.
Other names: c.1784G>A, p.Arg595His (NM_001321431.2); short protein forms R595H.
Identifiers: ClinVar variation 2064908 (VCV002064908.5), dbSNP rs199628711, ClinGen allele CA9153154.